The following is an entry in ClinVar:

ClinVar aggregate classification (germline): Uncertain significance (1 of 4 stars; one submission).

Submission:

Labcorp Genetics (formerly Invitae), Labcorp
Classification: Uncertain significance. Last evaluated: 2021-12-24. Review status: criteria provided, single submitter. Criteria: Invitae Variant Classification Sherloc (09022015). Collection method: clinical testing. Allele origin: germline.
Comment: This sequence change replaces asparagine, which is neutral and polar, with aspartic acid, which is acidic and polar, at codon 621 of the MAK protein (p.Asn621Asp). This variant is not present in population databases (gnomAD no frequency). This variant has not been reported in the literature in individuals affected with MAK-related conditions. Experimental studies and prediction algorithms are not available or were not evaluated, and the functional significance of this variant is currently unknown. In summary, the available evidence is currently insufficient to determine the role of this variant in disease. Therefore, it has been classified as a Variant of Uncertain Significance.

NM_001242957.3(MAK):c.1861A>G (p.Asn621Asp)

Gene: MAK (male germ cell associated kinase; minus strand). Cytogenetic location: 6p24.2.
Variant type: single nucleotide variant.
Coding change: c.1861A>G on transcript NM_001242957.3 (MANE Select); coding-DNA position 1861, A replaced by G.
Protein change: p.Asn621Asp; replaces asparagine 621 with aspartic acid.
Molecular consequence: missense variant. On other transcripts: non-coding transcript variant (2).
Genome position (GRCh38, 1-based): chr6:10,764,538, T>C on the plus strand (A>G on the coding strand, the complement: MAK is on the minus strand). VCF-style: chr6-10764538-T-C. GRCh37 (hg19) VCF-style: chr6-10764771-T-C.
Other names: c.1666A>G, p.Asn556Asp (NM_001242385.2); c.1564A>G, p.Asn522Asp (NM_001377262.1); c.1786A>G, p.Asn596Asp (NM_005906.6); short protein forms N522D, N556D, N596D, N621D.
Identifiers: ClinVar variation 2057135 (VCV002057135.4), dbSNP rs2532222556, ClinGen allele CA362719259.
Genomic context (GRCh38, chr6:10,764,538, plus strand): 5'-CCCAGTCTGTCCTCCCATGCACTGAGGGAATGGGCTGTGCACGGTTCACAATATTTAGGT[T>C]TTTTGCTGTAGGATTATAAGTACGTCCTGAAAACTGCCCCCGACCAGTTTTTGTGTTCCA-3'
Protein context (NP_001229886.1, residues 611-631): SGRTYNPTAK[Asn621Asp]LNIVNRAQPI